The following is an entry in ClinVar:

ClinVar aggregate classification (germline): Conflicting classifications of pathogenicity. Review status: criteria provided, conflicting classifications (1 of 4 stars). 3 submissions from 3 submitters: Uncertain significance (2); Benign (1). Last evaluated 2025-10-18.

Conditions:
Inborn genetic diseases. Identifiers: MedGen C0950123, MeSH D030342.

Allele frequency attached by ClinVar (database versions not stated): gnomAD 0.00001; ExAC 0.00002.
gnomAD v4.1: 12 of 1,590,308 alleles (0.00075%); highest among the groups gnomAD compares: South Asian, 0.0011%; no homozygotes.

Submissions (3):

Ambry Genetics
Classification: Uncertain significance for Inborn genetic diseases. Last evaluated: 2025-10-18. Review status: criteria provided, single submitter. Criteria: Ambry Variant Classification Scheme 2023. Collection method: clinical testing. Allele origin: germline.

Labcorp Genetics (formerly Invitae), Labcorp
Classification: Benign. Last evaluated: 2025-01-29. Review status: criteria provided, single submitter. Criteria: Invitae Variant Classification Sherloc (09022015). Collection method: clinical testing. Allele origin: germline.

GeneDx
Classification: Uncertain significance. Last evaluated: 2024-12-20. Review status: criteria provided, single submitter. Criteria: GeneDx Variant Classification Process June 2021. Collection method: clinical testing. Allele origin: germline. Affected: yes.
Comment: In silico analysis supports that this missense variant has a deleterious effect on protein structure/function; Has not been previously published as pathogenic or benign to our knowledge

NM_014727.3(KMT2B):c.3859C>T (p.Arg1287Trp)

Gene: KMT2B (lysine methyltransferase 2B; plus strand). Cytogenetic location: 19q13.12.
Variant type: single nucleotide variant.
Coding change: c.3859C>T on transcript NM_014727.3 (MANE Select); coding-DNA position 3859, C replaced by T.
Protein change: p.Arg1287Trp; replaces arginine 1287 with tryptophan.
Molecular consequence: missense variant.
Genome position (GRCh38, 1-based): chr19:35,725,792, C>T. VCF-style: chr19-35725792-C-T. GRCh37 (hg19) VCF-style: chr19-36216693-C-T.
Other names: c.3859C>T (NM_014727.2); short protein forms R1287W.
Identifiers: ClinVar variation 2602830 (VCV002602830.5), dbSNP rs765981100, ClinGen allele CA9384889.
Genomic context (GRCh38, chr19:35,725,792, plus strand): 5'-GAGTGCGAGCGCTGCCGCCATGCATACCACCCGGCCTGTCTGGGGCCCAGCTATCCAACC[C>T]GGGCCACGCGCAAACGGCGCCACTGGGTGAGAGATGAGGTTCACCCACTTGCTTTGTCTC-3'
Protein context (NP_055542.1, residues 1277-1297): PACLGPSYPT[Arg1287Trp]ATRKRRHWIC